The following is an entry in ClinVar:

ClinVar aggregate classification (germline): Uncertain significance (1 of 4 stars; one submission).

Conditions:
Charcot-Marie-Tooth disease type 4. Also called: Charcot-Marie-Tooth disease, type IV; Charcot-Marie-Tooth, Type 4. Identifiers: Orphanet 64749, MedGen C4082197, MONDO:0018995.

Allele frequency attached by ClinVar (database versions not stated): gnomAD exomes 0.00001 and 0.00002.

Submissions (2):

Labcorp Genetics (formerly Invitae), Labcorp
Classification: Uncertain significance for Charcot-Marie-Tooth disease type 4. Last evaluated: 2022-07-19. Review status: criteria provided, single submitter. Criteria: Invitae Variant Classification Sherloc (09022015). Collection method: clinical testing. Allele origin: germline.
Comment: This sequence change falls in intron 4 of the MTMR2 gene. It does not directly change the encoded amino acid sequence of the MTMR2 protein. It affects a nucleotide within the consensus splice site. This variant is present in population databases (no rsID available, gnomAD 0.0009%). This variant has been observed in individual(s) with clinical features of MTMR2-related conditions (Invitae). ClinVar contains an entry for this variant (Variation ID: 216646). Variants that disrupt the consensus splice site are a relatively common cause of aberrant splicing (PMID: 17576681, 9536098). Algorithms developed to predict the effect of sequence changes on RNA splicing suggest that this variant may disrupt the consensus splice site. In summary, the available evidence is currently insufficient to determine the role of this variant in disease. Therefore, it has been classified as a Variant of Uncertain Significance.

Dr. Peter K. Rogan Lab, Western University
No classification provided (evidence only). Condition: Lung cancer. Review status: no classification provided. Collection method: in vitro. Allele origin: not applicable. Functional consequence: skipped exon, retained intron. Not counted in ClinVar's aggregate classification.

Literature cited by the submitters: PubMed 17576681 (cited by Labcorp Genetics (formerly Invitae), Labcorp); PubMed 9536098 (cited by Labcorp Genetics (formerly Invitae), Labcorp).

NM_016156.6(MTMR2):c.357+4A>C

Gene: MTMR2 (myotubularin related protein 2; minus strand). Cytogenetic location: 11q21.
Variant type: single nucleotide variant.
Coding change: c.357+4A>C on transcript NM_016156.6 (MANE Select); 4 bases into the intron after coding-DNA position 357, A replaced by C.
Molecular consequence: intron variant.
Genome position (GRCh38, 1-based): chr11:95,862,268, T>G on the plus strand (A>C on the coding strand, the complement: MTMR2 is on the minus strand). VCF-style: chr11-95862268-T-G. GRCh37 (hg19) VCF-style: chr11-95595432-T-G.
Other names: c.141+4A>C (NM_201281.3, NM_201278.3, NM_001243571.2).
Identifiers: ClinVar variation 216646 (VCV000216646.11), dbSNP rs863224750, ClinGen allele CA335822.